The following is an entry in ClinVar:

NM_052989.3(IFT122):c.1845G>A (p.Val615=)

Gene: IFT122 (intraflagellar transport 122; plus strand). Cytogenetic location: 3q21.3.
Variant type: single nucleotide variant.
Coding change: c.1845G>A on transcript NM_052989.3 (MANE Select); coding-DNA position 1845, G replaced by A.
Protein change: p.Val615=; no amino-acid change (valine 615 retained).
Molecular consequence: synonymous variant.
Genome position (GRCh38, 1-based): chr3:129,483,676, G>A. VCF-style: chr3-129483676-G-A. GRCh37 (hg19) VCF-style: chr3-129202519-G-A.
Other names: c.1998G>A (NM_052985.3); c.1512G>A, p.Val504= (NM_052990.3, NM_001410815.1, NM_001410817.1); c.1821G>A, p.Val607= (NM_001280541.2); c.1395G>A, p.Val465= (NM_001280545.2); c.1218G>A, p.Val406= (NM_001280546.2); c.1845G>A, p.Val615= (NM_001410808.1, NM_001410809.1); c.1668G>A, p.Val556= (NM_001410810.1, NM_001410811.1, NM_001410813.1 and 1 more transcripts); c.1998G>A, p.Val666= (NM_052985.4).
Identifiers: ClinVar variation 3605472 (VCV003605472.3).

ClinVar aggregate classification (germline): Uncertain significance. Review status: criteria provided, multiple submitters, no conflicts (2 of 4 stars). 2 submissions from 2 submitters: Uncertain significance (2). Last evaluated 2025-03-12.

Conditions:
Cranioectodermal dysplasia 1 (CED1). Also called: LEVIN SYNDROME I. Identifiers: Orphanet 1515, MedGen C0432235, MONDO:0021093, OMIM 218330.

Submissions (2):

GeneDx
Classification: Uncertain significance. Last evaluated: 2025-03-12. Review status: criteria provided, single submitter. Criteria: GeneDx Variant Classification Process June 2021. Collection method: clinical testing. Allele origin: germline. Affected: yes.
Comment: Not observed at significant frequency in large population cohorts (gnomAD); Has not been previously published as pathogenic or benign to our knowledge; In silico analysis suggests this variant may impact gene splicing. In the absence of RNA/functional studies, the actual effect of this sequence change is unknown.

Labcorp Genetics (formerly Invitae), Labcorp
Classification: Uncertain significance for Cranioectodermal dysplasia 1. Last evaluated: 2024-06-10. Review status: criteria provided, single submitter. Criteria: Invitae Variant Classification Sherloc (09022015). Collection method: clinical testing. Allele origin: germline.
Comment: This sequence change affects codon 666 of the IFT122 mRNA. It is a 'silent' change, meaning that it does not change the encoded amino acid sequence of the IFT122 protein. This variant is not present in population databases (gnomAD no frequency). This variant has not been reported in the literature in individuals affected with IFT122-related conditions. Algorithms developed to predict the effect of sequence changes on RNA splicing suggest that this variant may create or strengthen a splice site. In summary, the available evidence is currently insufficient to determine the role of this variant in disease. Therefore, it has been classified as a Variant of Uncertain Significance.